The following is an entry in ClinVar:

NM_000245.4(MET):c.3713A>C (p.His1238Pro)

Gene: MET (MET proto-oncogene, receptor tyrosine kinase; plus strand). Cytogenetic location: 7q31.2.
Variant type: single nucleotide variant.
Coding change: c.3713A>C on transcript NM_000245.4 (MANE Select); coding-DNA position 3713, A replaced by C.
Protein change: p.His1238Pro; replaces histidine 1238 with proline.
Molecular consequence: missense variant.
Genome position (GRCh38, 1-based): chr7:116,783,384, A>C. VCF-style: chr7-116783384-A-C. GRCh37 (hg19) VCF-style: chr7-116423438-A-C.
Other names: c.3767A>C, p.His1256Pro (NM_001127500.3); c.2423A>C, p.His808Pro (NM_001324402.2); short protein forms H808P, H1238P, H1256P.
Identifiers: ClinVar variation 4825344 (VCV004825344.1).
Genomic context (GRCh38, chr7:116,783,384, plus strand): 5'-TCAAGGTTGCTGATTTTGGTCTTGCCAGAGACATGTATGATAAAGAATACTATAGTGTAC[A>C]CAACAAAACAGGTGCAAAGCTGCCAGTGAAGTGGATGGCTTTGGAAAGTCTGCAAACTCA-3'
Protein context (NP_000236.2, residues 1228-1248): DMYDKEYYSV[His1238Pro]NKTGAKLPVK

ClinVar aggregate classification (germline): Uncertain significance (1 of 4 stars; one submission).

Conditions:
Hereditary cancer-predisposing syndrome. Also called: Neoplastic Syndromes, Hereditary; Tumor predisposition; Hereditary Cancer Syndrome; Hereditary neoplastic syndrome. Identifiers: Orphanet 140162, MedGen C0027672, MeSH D009386, MONDO:0015356.

gnomAD v4.1: 2 of 1,614,184 alleles (0.00012%); highest among the groups gnomAD compares: Non-Finnish European, 0.00017%; no homozygotes.

Submission:

Ambry Genetics
Classification: Uncertain significance for Hereditary cancer-predisposing syndrome. Last evaluated: 2026-01-22. Review status: criteria provided, single submitter. Criteria: Ambry Variant Classification Scheme 2023. Collection method: clinical testing. Allele origin: germline.
Comment: The p.H1256P variant (also known as c.3767A>C), located in coding exon 18 of the MET gene, results from an A to C substitution at nucleotide position 3767. The histidine at codon 1256 is replaced by proline, an amino acid with similar properties. This amino acid position is conserved. In addition, this alteration is predicted to be deleterious by in silico analysis. Based on the available evidence, the clinical significance of this variant remains unclear.